The following is an entry in ClinVar:

NM_004793.4(LONP1):c.82G>C (p.Gly28Arg)

Gene: LONP1 (lon peptidase 1, mitochondrial; minus strand). Cytogenetic location: 19p13.3.
Variant type: single nucleotide variant.
Coding change: c.82G>C on transcript NM_004793.4 (MANE Select); coding-DNA position 82, G replaced by C.
Protein change: p.Gly28Arg; replaces glycine 28 with arginine.
Molecular consequence: missense variant. On other transcripts: non-coding transcript variant (1), intron variant (1).
Genome position (GRCh38, 1-based): chr19:5,720,051, C>G on the plus strand (G>C on the coding strand, the complement: LONP1 is on the minus strand). VCF-style: chr19-5720051-C-G. GRCh37 (hg19) VCF-style: chr19-5720062-C-G.
Other names: c.82G>C, p.Gly28Arg (NM_001276479.2); c.-160+168G>C (NM_001276480.1); c.82G>C (NM_004793.2); short protein forms G28R.
Identifiers: ClinVar variation 1928077 (VCV001928077.6), dbSNP rs762047601, ClinGen allele CA9115241.
Genomic context (GRCh38, chr19:5,720,051, plus strand): 5'-CGTCGCAGGTCCGCTGGCCTCGGAGCAACCACGCTCCTGCTGCAGTGGGAACCCGCCCCC[C>G]GGCGGCGGCCAGCATCGGCCGCCGCAGCACCCAGCACCGCGCCGCTCCCCACAGTCGCAC-3'
Protein context (NP_004784.2, residues 18-38): VLRRPMLAAA[Gly28Arg]GRVPTAAGAW

ClinVar aggregate classification (germline): Uncertain significance. Review status: criteria provided, multiple submitters, no conflicts (2 of 4 stars). 2 submissions from 2 submitters: Uncertain significance (2). Last evaluated 2025-05-01.

Conditions:
Inborn genetic diseases. Identifiers: MedGen C0950123, MeSH D030342.

gnomAD v4.1: 4 of 1,537,918 alleles (0.00026%); highest among the groups gnomAD compares: Non-Finnish European, 0.000087%; no homozygotes.

Submissions (2):

Ambry Genetics
Classification: Uncertain significance for Inborn genetic diseases. Last evaluated: 2025-05-01. Review status: criteria provided, single submitter. Criteria: Ambry Variant Classification Scheme 2023. Collection method: clinical testing. Allele origin: germline.

Labcorp Genetics (formerly Invitae), Labcorp
Classification: Uncertain significance. Last evaluated: 2022-06-11. Review status: criteria provided, single submitter. Criteria: Invitae Variant Classification Sherloc (09022015). Collection method: clinical testing. Allele origin: germline.
Comment: This variant has not been reported in the literature in individuals affected with LONP1-related conditions. This variant is not present in population databases (gnomAD no frequency). This sequence change replaces glycine, which is neutral and non-polar, with arginine, which is basic and polar, at codon 28 of the LONP1 protein (p.Gly28Arg). Algorithms developed to predict the effect of missense changes on protein structure and function (SIFT, PolyPhen-2, Align-GVGD) all suggest that this variant is likely to be tolerated. In summary, the available evidence is currently insufficient to determine the role of this variant in disease. Therefore, it has been classified as a Variant of Uncertain Significance.